The following is an entry in ClinVar:

ClinVar aggregate classification (germline): Likely pathogenic (1 of 4 stars; one submission).

Conditions:
Autosomal recessive Alport syndrome (ATS2). Also called: Alport syndrome type 2; COL4A4 Alport Syndrome and Thin Basement Membrane Nephropathy; ALPORT SYNDROME 2, AUTOSOMAL RECESSIVE; COL4A3-Related Nephropathy. Identifiers: Orphanet 63, Orphanet 88919, MedGen C4746745, MONDO:0008762, OMIM 203780.

Submission:

Myriad Genetics, Inc.
Classification: Likely pathogenic for Autosomal recessive Alport syndrome. Last evaluated: 2022-05-18. Review status: criteria provided, single submitter. Criteria: Myriad Women's Health Autosomal Recessive and X-Linked Classification Criteria (2021). Collection method: clinical testing. Allele origin: unknown.
Comment: NM_000092.4(COL4A4):c.1850dupC(L618Sfs*39) is expected to be pathogenic in the context of COL4A4-related Alport syndrome. This variant is predicted to lead to an abnormal or absent protein product due to the creation of a premature termination codon in COL4A4, a gene where loss-of-function variants are known to be pathogenic. Please note: this variant was assessed in the context of healthy population screening.

NM_000092.5(COL4A4):c.1850dup (p.Leu618fs)

Gene: COL4A4 (collagen type IV alpha 4 chain; minus strand). Cytogenetic location: 2q36.3.
Variant type: Duplication.
Coding change: c.1850dup on transcript NM_000092.5 (MANE Select); coding-DNA position 1850, one base duplicated (C; older notation c.1850dupC).
Protein change: p.Leu618fs; shifts the reading frame from leucine 618.
Molecular consequence: frameshift variant.
Genome position (GRCh38, 1-based): chr2:227,078,031, G duplicated on the plus strand (C on the coding strand, the reverse complement: COL4A4 is on the minus strand); the first of 2 consecutive G bases (chr2:227,078,031-227,078,032); duplicating either gives the same sequence. VCF-style (leftmost placement, unchanged base first): chr2-227078030-A-AG. GRCh37 (hg19) VCF-style: chr2-227942746-A-AG.
Other names: short protein forms L618fs.
Identifiers: ClinVar variation 1726146 (VCV001726146.2), dbSNP rs2474719709, ClinGen allele CA2580065828.